The following is an entry in ClinVar:

NM_000421.5(KRT10):c.359G>A (p.Gly120Asp)

Genes: KRT10 (keratin 10; minus strand), KRT10-AS1 (KRT10 antisense RNA 1; plus strand). Cytogenetic location: 17q21.2.
Variant type: single nucleotide variant.
Coding change: c.359G>A on transcript NM_000421.5 (MANE Select); coding-DNA position 359, G replaced by A.
Protein change: p.Gly120Asp; replaces glycine 120 with aspartic acid.
Molecular consequence: missense variant.
Genome position (GRCh38, 1-based): chr17:40,822,227, C>T on the plus strand (G>A on the coding strand, the complement: KRT10 is on the minus strand). VCF-style: chr17-40822227-C-T. GRCh37 (hg19) VCF-style: chr17-38978479-C-T.
Other names: c.359G>A, p.Gly120Asp (NM_001379366.1); short protein forms G120D.
Identifiers: ClinVar variation 4294547 (VCV004294547.1).

ClinVar aggregate classification (germline): Likely pathogenic (1 of 4 stars; one submission).

Conditions:
Epidermolysis bullosa simplex 1A, generalized severe (EBS1A). Also called: Epidermolysis bullosa simplex Dowling-Meara type. Identifiers: Orphanet 79396, MedGen C0079295, MONDO:0007550, OMIM 131760.

Submission:

Centro de Genética y Biología Molecular, Universidad de San Martín de Porres
Classification: Likely pathogenic for Epidermolysis bullosa simplex 1A, generalized severe. Last evaluated: 2025-01-20. Review status: criteria provided, single submitter. Criteria: ACMG Guidelines, 2015. Collection method: research. Allele origin: unknown. Inheritance: Autosomal dominant inheritance. Affected: yes.
Comment: Variant NM_000421.3:c.359G>A is Likely pathogenic. Not present in population databases. The variant has been identified as a de novo occurrence, without confirmation of paternity and maternity. We do not have previous knowledge of this variant appearing before in the literature, solely or with another variant. Immunofluorescence studies show the presence of collagen IV; laminin 5 and immunohistochemistry depicts cytokeratin and plectin. These markers help in characterization of the EB case.